The following is an entry in ClinVar:

NM_001903.5(CTNNA1):c.313A>T (p.Lys105Ter)

Gene: CTNNA1 (catenin alpha 1; plus strand). Cytogenetic location: 5q31.2.
Variant type: single nucleotide variant.
Coding change: c.313A>T on transcript NM_001903.5 (MANE Select); coding-DNA position 313, A replaced by T.
Protein change: p.Lys105Ter; replaces lysine 105 with a stop codon.
Molecular consequence: nonsense. On other transcripts: intron variant (1).
Genome position (GRCh38, 1-based): chr5:138,810,049, A>T. VCF-style: chr5-138810049-A-T. GRCh37 (hg19) VCF-style: chr5-138145738-A-T.
Other names: c.313A>T, p.Lys105Ter (NM_001290307.3, NM_001323982.2, NM_001323983.1 and 3 more transcripts); c.4A>T, p.Lys2Ter (NM_001290309.3); c.-5-52A>T (NM_001290310.3); short protein forms K2*, K105*.
Identifiers: ClinVar variation 1373875 (VCV001373875.6), dbSNP rs2149726948, ClinGen allele CA361122810.

ClinVar aggregate classification (germline): Pathogenic (1 of 4 stars; one submission).

Submission:

Labcorp Genetics (formerly Invitae), Labcorp
Classification: Pathogenic. Last evaluated: 2023-05-15. Review status: criteria provided, single submitter. Criteria: Invitae Variant Classification Sherloc (09022015). Collection method: clinical testing. Allele origin: germline.
Comment: This sequence change creates a premature translational stop signal (p.Lys105*) in the CTNNA1 gene. It is expected to result in an absent or disrupted protein product. Loss-of-function variants in CTNNA1 are known to be pathogenic (PMID: 32051609, 34425242). This variant is not present in population databases (gnomAD no frequency). This variant has not been reported in the literature in individuals affected with CTNNA1-related conditions. ClinVar contains an entry for this variant (Variation ID: 1373875). For these reasons, this variant has been classified as Pathogenic.

Literature cited by the submitters: PubMed 32051609; PubMed 34425242.